The following is an entry in ClinVar:

ClinVar aggregate classification (germline): Uncertain significance (1 of 4 stars; one submission).

Submission:

Ambry Genetics
Classification: Uncertain significance. Last evaluated: 2023-01-22. Review status: criteria provided, single submitter. Criteria: Ambry Variant Classification Scheme 2023. Collection method: clinical testing. Allele origin: germline.
Comment: The p.S521F variant (also known as c.1562C>T), located in coding exon 14 of the BUB1 gene, results from a C to T substitution at nucleotide position 1562. The serine at codon 521 is replaced by phenylalanine, an amino acid with highly dissimilar properties. This amino acid position is conserved. In addition, this alteration is predicted to be tolerated by in silico analysis. Since supporting evidence is limited at this time, the clinical significance of this alteration remains unclear.

NM_004336.5(BUB1):c.1562C>T (p.Ser521Phe)

Gene: BUB1 (BUB1 mitotic checkpoint serine/threonine kinase; minus strand). Cytogenetic location: 2q13.
Variant type: single nucleotide variant.
Coding change: c.1562C>T on transcript NM_004336.5 (MANE Select); coding-DNA position 1562, C replaced by T.
Protein change: p.Ser521Phe; replaces serine 521 with phenylalanine.
Molecular consequence: missense variant.
Genome position (GRCh38, 1-based): chr2:110,657,600, G>A on the plus strand (C>T on the coding strand, the complement: BUB1 is on the minus strand). VCF-style: chr2-110657600-G-A. GRCh37 (hg19) VCF-style: chr2-111415177-G-A.
Other names: c.1502C>T, p.Ser501Phe (NM_001278616.2); c.1562C>T, p.Ser521Phe (NM_001278617.2); short protein forms S521F, S501F.
Identifiers: ClinVar variation 2451261 (VCV002451261.2), dbSNP rs2468007544, ClinGen allele CA348211972.